The following is an entry in ClinVar:

ClinVar aggregate classification (germline): Benign (1 of 4 stars; one submission).

Allele frequency attached by ClinVar (database versions not stated): ESP Exome Variant Server 0.00282; 1000 Genomes Project 30x 0.00375; ExAC 0.00381; 1000 Genomes Project 0.00439; TOPMed 0.00762; gnomAD 0.00998; gnomAD exomes 0.01226.

Submission:

CeGaT Center for Human Genetics Tuebingen
Classification: Benign. Last evaluated: 2024-01-01. Review status: criteria provided, single submitter. Criteria: CeGaT Center For Human Genetics Tuebingen Variant Classification Criteria Version 2. Collection method: clinical testing. Allele origin: germline. Affected: yes. Observed: 2 variant alleles.
Comment: NFKBIE: BS1, BS2

NC_000006.12:g.44265666G>A

Gene: NFKBIE (NFKB inhibitor epsilon; minus strand). Cytogenetic location: 6p21.1.
Variant type: single nucleotide variant.
Genome position: GRCh38 VCF-style: chr6-44265666-G-A. GRCh37 (hg19) VCF-style: chr6-44233403-G-A.
Identifiers: ClinVar variation 3024940 (VCV003024940.20), dbSNP rs2233430, ClinGen allele CA3833273.